The following is an entry in ClinVar:

ClinVar aggregate classification (germline): Uncertain significance (1 of 4 stars; one submission).

Conditions:
Neuropathy, hereditary sensory, type 1F. Also called: Hereditary sensory neuropathy type IF; HSN IF. Identifiers: Orphanet 36386, MedGen C3810194, MONDO:0014286, OMIM 615632.

Submission:

Labcorp Genetics (formerly Invitae), Labcorp
Classification: Uncertain significance for Neuropathy, hereditary sensory, type 1F. Last evaluated: 2024-06-13. Review status: criteria provided, single submitter. Criteria: Invitae Variant Classification Sherloc (09022015). Collection method: clinical testing. Allele origin: germline.
Comment: This sequence change replaces glycine, which is neutral and non-polar, with aspartic acid, which is acidic and polar, at codon 25 of the ATL3 protein (p.Gly25Asp). This variant is not present in population databases (gnomAD no frequency). This variant has not been reported in the literature in individuals affected with ATL3-related conditions. An algorithm developed to predict the effect of missense changes on protein structure and function (PolyPhen-2) suggests that this variant is likely to be disruptive. In summary, the available evidence is currently insufficient to determine the role of this variant in disease. Therefore, it has been classified as a Variant of Uncertain Significance.

NM_015459.5(ATL3):c.74G>A (p.Gly25Asp)

Gene: ATL3 (atlastin GTPase 3; minus strand). Cytogenetic location: 11q13.1.
Variant type: single nucleotide variant.
Coding change: c.74G>A on transcript NM_015459.5 (MANE Select); coding-DNA position 74, G replaced by A.
Protein change: p.Gly25Asp; replaces glycine 25 with aspartic acid.
Molecular consequence: missense variant.
Genome position (GRCh38, 1-based): chr11:63,659,225, C>T on the plus strand (G>A on the coding strand, the complement: ATL3 is on the minus strand). VCF-style: chr11-63659225-C-T. GRCh37 (hg19) VCF-style: chr11-63426697-C-T.
Other names: c.20G>A, p.Gly7Asp (NM_001290048.2); short protein forms G7D, G25D.
Identifiers: ClinVar variation 3683182 (VCV003683182.2).